The following is an entry in ClinVar:

NM_000059.4(BRCA2):c.10055T>G (p.Leu3352Arg)

Gene: BRCA2 (BRCA2 DNA repair associated; plus strand). Cytogenetic location: 13q13.1.
Variant type: single nucleotide variant.
Coding change: c.10055T>G on transcript NM_000059.4 (MANE Select); coding-DNA position 10055, T replaced by G.
Protein change: p.Leu3352Arg; replaces leucine 3352 with arginine.
Molecular consequence: missense variant.
Genome position (GRCh38, 1-based): chr13:32,398,568, T>G. VCF-style: chr13-32398568-T-G. GRCh37 (hg19) VCF-style: chr13-32972705-T-G.
Other names: short protein forms L3352R.
Identifiers: ClinVar variation 925465 (VCV000925465.4), dbSNP rs960693786, ClinGen allele CA387767850.
Genomic context (GRCh38, chr13:32,398,568, plus strand): 5'-CTCTTTTGGAAAGTAATTCAATAGCTGACGAAGAACTTGCATTGATAAATACCCAAGCTC[T>G]TTTGTCTGGTTCAACAGGAGAAAAACAATTTATATCTGTCAGTGAATCCACTAGGACTGC-3'
Protein context (NP_000050.3, residues 3342-3362): EELALINTQA[Leu3352Arg]LSGSTGEKQF

ClinVar aggregate classification (germline): Uncertain significance (1 of 4 stars; one submission).

Conditions:
Hereditary cancer-predisposing syndrome. Also called: Neoplastic Syndromes, Hereditary; Tumor predisposition; Hereditary Cancer Syndrome; Hereditary neoplastic syndrome. Identifiers: Orphanet 140162, MedGen C0027672, MeSH D009386, MONDO:0015356.

Submission:

Color Diagnostics, LLC DBA Color Health
Classification: Uncertain significance for Hereditary cancer-predisposing syndrome. Last evaluated: 2023-12-04. Review status: criteria provided, single submitter. Criteria: ACMG Guidelines, 2015. Collection method: clinical testing. Allele origin: germline.
Comment: This missense variant replaces leucine with arginine at codon 3352 of the BRCA2 protein. Computational prediction suggests that this variant may not impact protein structure and function (internally defined REVEL score threshold <= 0.5, PMID: 27666373). To our knowledge, functional studies have not been reported for this variant. This variant has not been reported in individuals affected with BRCA2-related disorders in the literature. This variant has not been identified in the general population by the Genome Aggregation Database (gnomAD). The available evidence is insufficient to determine the role of this variant in disease conclusively. Therefore, this variant is classified as a Variant of Uncertain Significance.